The following is an entry in ClinVar:

ClinVar aggregate classification (germline): Pathogenic/Likely pathogenic. Review status: criteria provided, multiple submitters, no conflicts (2 of 4 stars). 2 submissions from 2 submitters: Pathogenic (1); Likely pathogenic (1). Last evaluated 2024-01-29.

Conditions:
Ataxia-telangiectasia syndrome (AT). Also called: LOUIS-BAR SYNDROME; Cerebello-oculocutaneous telangiectasia; Immunodeficiency with ataxia telangiectasia; Ataxia-telangiectasia, complementation group E; Ataxia-telangiectasia, complementation group D; AT, COMPLEMENTATION GROUP C. Identifiers: Orphanet 100, MedGen C0004135, MONDO:0008840, OMIM 208900.
Familial cancer of breast. Also called: BREAST CANCER, FAMILIAL; Hereditary breast cancer; hereditary breast carcinoma. Identifiers: Orphanet 227535, MedGen C0346153, MONDO:0016419, OMIM 114480. Disease mechanism: loss of function.

Submissions (2):

Labcorp Genetics (formerly Invitae), Labcorp
Classification: Pathogenic for Ataxia-telangiectasia syndrome. Last evaluated: 2024-01-29. Review status: criteria provided, single submitter. Criteria: Invitae Variant Classification Sherloc (09022015). Collection method: clinical testing. Allele origin: germline.
Comment: This sequence change creates a premature translational stop signal (p.Trp2491*) in the ATM gene. It is expected to result in an absent or disrupted protein product. Loss-of-function variants in ATM are known to be pathogenic (PMID: 23807571, 25614872). This variant is not present in population databases (gnomAD no frequency). This variant has not been reported in the literature in individuals affected with ATM-related conditions. For these reasons, this variant has been classified as Pathogenic.

Baylor Genetics
Classification: Likely pathogenic for Familial cancer of breast. Last evaluated: 2020-11-10. Review status: criteria provided, single submitter. Criteria: ACMG Guidelines, 2015. Collection method: clinical testing. Allele origin: unknown.

Literature cited by the submitters: PubMed 23807571 (cited by Labcorp Genetics (formerly Invitae), Labcorp); PubMed 25614872 (cited by Labcorp Genetics (formerly Invitae), Labcorp).

NM_000051.4(ATM):c.7473G>A (p.Trp2491Ter)

Genes: ATM (ATM serine/threonine kinase; plus strand), C11orf65 (chromosome 11 open reading frame 65; minus strand). Cytogenetic location: 11q22.3.
Variant type: single nucleotide variant.
Coding change: c.7473G>A on transcript NM_000051.4 (MANE Select); coding-DNA position 7473, G replaced by A.
Protein change: p.Trp2491Ter; replaces tryptophan 2491 with a stop codon.
Molecular consequence: nonsense. On other transcripts: intron variant (2).
Genome position (GRCh38, 1-based): chr11:108,330,379, G>A. VCF-style: chr11-108330379-G-A. GRCh37 (hg19) VCF-style: chr11-108201106-G-A.
Other names: c.7473G>A, p.Trp2491Ter (NM_001351834.2); c.641-21308C>T (NM_001330368.2); c.*38+4841C>T (NM_001351110.2); short protein forms W2491*.
Identifiers: ClinVar variation 2679786 (VCV002679786.4), dbSNP rs1555123257, ClinGen allele CA382560448.